The following is an entry in ClinVar:

NM_000535.7(PMS2):c.1431del (p.Ser478fs)

Gene: PMS2 (PMS1 homolog 2, mismatch repair system component; minus strand). Cytogenetic location: 7p22.1.
Variant type: Deletion.
Coding change: c.1431del on transcript NM_000535.7 (MANE Select); coding-DNA position 1431, one base deleted (C; older notation c.1431delC).
Protein change: p.Ser478fs; shifts the reading frame from serine 478.
Molecular consequence: frameshift variant. On other transcripts: non-coding transcript variant (1), intron variant (1).
Genome position (GRCh38, 1-based): chr7:5,987,334, G deleted on the plus strand (C on the coding strand, the reverse complement: PMS2 is on the minus strand); the first of 2 consecutive G bases (chr7:5,987,334-5,987,335); deleting either gives the same sequence. VCF-style (leftmost placement, unchanged base first): chr7-5987333-TG-T. GRCh37 (hg19) VCF-style: chr7-6026964-TG-T.
Other names: c.1431delC (NM_000535.5); c.1026del, p.Ser343fs (NM_001322003.2, NM_001322004.2, NM_001322005.2 and 16 more transcripts); c.1275del, p.Ser426fs (NM_001322006.2, NM_001406870.1); c.1113del, p.Ser372fs (NM_001322007.2, NM_001322008.2, NM_001406876.1 and 2 more transcripts); c.870del, p.Ser291fs (NM_001322010.2, NM_001406906.1, NM_001406907.1); c.498del, p.Ser167fs (NM_001322011.2, NM_001322012.2); c.858del, p.Ser287fs (NM_001322013.2, NM_001406909.1); c.1431del, p.Ser478fs (NM_001322014.2, NM_001406871.1, NM_001406872.1); and 14 more; short protein forms S307fs, S323fs, S422fs, S478fs, S221fs, S320fs, S370fs, S375fs.
Identifiers: ClinVar variation 5026900 (VCV005026900.1).

ClinVar aggregate classification (germline): Pathogenic (1 of 4 stars; one submission).

Conditions:
Hereditary cancer-predisposing syndrome. Also called: Neoplastic Syndromes, Hereditary; Tumor predisposition; Hereditary neoplastic syndrome; Hereditary Cancer Syndrome. Identifiers: Orphanet 140162, MedGen C0027672, MeSH D009386, MONDO:0015356.

Submission:

Ambry Genetics
Classification: Pathogenic for Hereditary cancer-predisposing syndrome. Last evaluated: 2026-07-21. Review status: criteria provided, single submitter. Criteria: Ambry Variant Classification Scheme 2023. Collection method: clinical testing. Allele origin: germline.
Comment: The c.1431delC pathogenic mutation, located in coding exon 11 of the PMS2 gene, results from a deletion of one nucleotide at nucleotide position 1431, causing a translational frameshift with a predicted alternate stop codon (p.S478Vfs*117). This variant is considered to be rare based on population cohorts in the Genome Aggregation Database (gnomAD). This alteration is expected to result in loss of function by premature protein truncation or nonsense-mediated mRNA decay. As such, this alteration is interpreted as a disease-causing mutation.